The following is an entry in ClinVar:

NM_002519.3(NPAT):c.3291T>A (p.Asn1097Lys)

Gene: NPAT (nuclear protein, coactivator of histone transcription; minus strand). Cytogenetic location: 11q22.3.
Variant type: single nucleotide variant.
Coding change: c.3291T>A on transcript NM_002519.3 (MANE Select); coding-DNA position 3291, T replaced by A.
Protein change: p.Asn1097Lys; replaces asparagine 1097 with lysine.
Molecular consequence: missense variant.
Genome position (GRCh38, 1-based): chr11:108,161,795, A>T on the plus strand (T>A on the coding strand, the complement: NPAT is on the minus strand). VCF-style: chr11-108161795-A-T. GRCh37 (hg19) VCF-style: chr11-108032522-A-T.
Other names: c.3312T>A, p.Asn1104Lys (NM_001321307.1); short protein forms N1104K, N1097K.
Identifiers: ClinVar variation 1729854 (VCV001729854.2), dbSNP rs2077853502, ClinGen allele CA382511128.
Genomic context (GRCh38, chr11:108,161,795, plus strand): 5'-TCTTTTGATAGCATTATTAGAAGGGGGTTTTAAGGTGGAGGACACATTGGGTGAGTCAAG[A>T]TTAGGAAAAGAGACTGCATTCCTTTCTTTGTTTTGGGACACCATCTTATGGTTTGGCCCC-3'
Protein context (NP_002510.2, residues 1087-1107): NKERNAVSFP[Asn1097Lys]LDSPNVSSTL

ClinVar aggregate classification (germline): Uncertain significance (1 of 4 stars; one submission).

Submission:

Ambry Genetics
Classification: Uncertain significance. Last evaluated: 2021-10-11. Review status: criteria provided, single submitter. Criteria: Ambry Variant Classification Scheme 2023. Collection method: clinical testing. Allele origin: germline.
Comment: The p.N1097K variant (also known as c.3291T>A), located in coding exon 17 of the NPAT gene, results from a T to A substitution at nucleotide position 3291. The asparagine at codon 1097 is replaced by lysine, an amino acid with similar properties. This amino acid position is conserved. In addition, this alteration is predicted to be tolerated by in silico analysis. Since supporting evidence is limited at this time, the clinical significance of this alteration remains unclear.